The following is an entry in ClinVar:

ClinVar aggregate classification (germline): Uncertain significance (1 of 4 stars; one submission).

Allele frequency attached by ClinVar (database versions not stated): gnomAD exomes below 0.00001; TOPMed below 0.00001; gnomAD 0.00001.
gnomAD v4.1: 2 of 1,613,976 alleles (0.00012%); highest among the groups gnomAD compares: Non-Finnish European, 0.00017%; no homozygotes.

Submission:

CeGaT Center for Human Genetics Tuebingen
Classification: Uncertain significance. Last evaluated: 2024-05-01. Review status: criteria provided, single submitter. Criteria: CeGaT Center For Human Genetics Tuebingen Variant Classification Criteria Version 2. Collection method: clinical testing. Allele origin: germline. Affected: yes. Observed: 2 variant alleles.
Comment: KMT2A: PM2

NM_001197104.2(KMT2A):c.2341A>G (p.Ser781Gly)

Gene: KMT2A (lysine methyltransferase 2A; plus strand). Cytogenetic location: 11q23.3.
Variant type: single nucleotide variant.
Coding change: c.2341A>G on transcript NM_001197104.2 (MANE Select); coding-DNA position 2341, A replaced by G.
Protein change: p.Ser781Gly; replaces serine 781 with glycine.
Molecular consequence: missense variant.
Genome position (GRCh38, 1-based): chr11:118,473,500, A>G. VCF-style: chr11-118473500-A-G. GRCh37 (hg19) VCF-style: chr11-118344215-A-G.
Other names: c.2440A>G, p.Ser814Gly (NM_001412597.1); c.2341A>G, p.Ser781Gly (NM_005933.4); short protein forms S781G, S814G.
Identifiers: ClinVar variation 2672485 (VCV002672485.23), dbSNP rs1413878132, ClinGen allele CA382814654.
Genomic context (GRCh38, chr11:118,473,500, plus strand): 5'-AGGCTTAGTAGTTCTGAGCTCTCACCTCTCACCCCCCCGTCTTCTGTCTCTTCCTCGTTA[A>G]GCATTTCTGTTAGTCCTCTTGCCACTAGTGCCTTAAACCCAACTTTTACTTTTCCTTCTC-3'
Protein context (NP_001184033.1, residues 771-791): TPPSSVSSSL[Ser781Gly]ISVSPLATSA